The following is an entry in ClinVar:

ClinVar aggregate classification (germline): Pathogenic (1 of 4 stars; one submission).

Conditions:
Hereditary sensory and autonomic neuropathy type 6. Also called: HSAN VI; Neuropathy, hereditary sensory and autonomic, type VI. Identifiers: Orphanet 314381, MedGen C3539003, MONDO:0013839, OMIM 614653.
Epidermolysis bullosa simplex 3, localized or generalized intermediate, with BP230 deficiency (EBS3). Also called: Epidermolysis bullosa simplex due to BP230 deficiency; Epidermolysis bullosa simplex, autosomal recessive 2. Identifiers: Orphanet 412181, MedGen C3809470, MONDO:0014180, OMIM 615425.

Submission:

Labcorp Genetics (formerly Invitae), Labcorp
Classification: Pathogenic for Epidermolysis bullosa simplex 3, localized or generalized intermediate, with BP230 deficiency; Hereditary sensory and autonomic neuropathy type 6. Last evaluated: 2023-02-18. Review status: criteria provided, single submitter. Criteria: Invitae Variant Classification Sherloc (09022015). Collection method: clinical testing. Allele origin: germline.
Comment: This sequence change creates a premature translational stop signal (p.Gln1219*) in the DST gene. It is expected to result in an absent or disrupted protein product. Loss-of-function variants in DST are known to be pathogenic (PMID: 22522446, 25059916, 30371979). This variant is not present in population databases (gnomAD no frequency). This variant has not been reported in the literature in individuals affected with DST-related conditions. For these reasons, this variant has been classified as Pathogenic.

Literature cited by the submitters: PubMed 22522446; PubMed 25059916; PubMed 30371979.

NM_001723.7(DST):c.3655C>T (p.Gln1219Ter)

Gene: DST (dystonin; minus strand). Cytogenetic location: 6p12.1.
Variant type: single nucleotide variant.
Coding change: c.3655C>T on transcript NM_001723.7 (MANE Plus Clinical); coding-DNA position 3655, C replaced by T.
Protein change: p.Gln1219Ter; replaces glutamine 1219 with a stop codon.
Molecular consequence: nonsense. On other transcripts: intron variant (10).
Genome position (GRCh38, 1-based): chr6:56,620,379, G>A on the plus strand (C>T on the coding strand, the complement: DST is on the minus strand). VCF-style: chr6-56620379-G-A. GRCh37 (hg19) VCF-style: chr6-56485177-G-A.
Other names: c.4830+4151C>T (NM_001144769.5); c.4929+4151C>T (NM_001374722.1, NM_001374736.1); c.4956+4151C>T (NM_001374734.1); c.4416+4151C>T (NM_001144770.2); c.4296+4151C>T (NM_001374730.1, NM_001386100.1, NM_183380.4 and 1 more transcripts); c.3318+4151C>T (NM_015548.5); short protein forms Q1219*.
Identifiers: ClinVar variation 2939280 (VCV002939280.3), dbSNP rs2536743437, ClinGen allele CA364571431.